The following is an entry in ClinVar:

ClinVar aggregate classification (germline): Uncertain significance. Review status: criteria provided, multiple submitters, no conflicts (2 of 4 stars). 2 submissions from 2 submitters: Uncertain significance (2). Last evaluated 2024-10-29.

Conditions:
Vici syndrome (VICIS). Identifiers: Orphanet 1493, MedGen C1855772, MONDO:0009452, OMIM 242840.

Submissions (2):

GeneDx
Classification: Uncertain significance. Last evaluated: 2024-10-29. Review status: criteria provided, single submitter. Criteria: GeneDx Variant Classification Process June 2021. Collection method: clinical testing. Allele origin: germline. Affected: yes.
Comment: Not observed at significant frequency in large population cohorts (gnomAD); In silico analysis supports that this missense variant has a deleterious effect on protein structure/function; Has not been previously published as pathogenic or benign to our knowledge

Labcorp Genetics (formerly Invitae), Labcorp
Classification: Uncertain significance for Vici syndrome. Last evaluated: 2022-11-08. Review status: criteria provided, single submitter. Criteria: Invitae Variant Classification Sherloc (09022015). Collection method: clinical testing. Allele origin: germline.
Comment: In summary, the available evidence is currently insufficient to determine the role of this variant in disease. Therefore, it has been classified as a Variant of Uncertain Significance. Advanced modeling of protein sequence and biophysical properties (such as structural, functional, and spatial information, amino acid conservation, physicochemical variation, residue mobility, and thermodynamic stability) performed at Invitae indicates that this missense variant is expected to disrupt EPG5 protein function. This variant has not been reported in the literature in individuals affected with EPG5-related conditions. This variant is not present in population databases (gnomAD no frequency). This sequence change replaces asparagine, which is neutral and polar, with isoleucine, which is neutral and non-polar, at codon 1405 of the EPG5 protein (p.Asn1405Ile).

NM_020964.3(EPG5):c.4214A>T (p.Asn1405Ile)

Gene: EPG5 (ectopic P-granules 5 autophagy tethering factor; minus strand). Cytogenetic location: 18q21.1.
Variant type: single nucleotide variant.
Coding change: c.4214A>T on transcript NM_020964.3 (MANE Select); coding-DNA position 4214, A replaced by T.
Protein change: p.Asn1405Ile; replaces asparagine 1405 with isoleucine.
Molecular consequence: missense variant.
Genome position (GRCh38, 1-based): chr18:45,908,073, T>A on the plus strand (A>T on the coding strand, the complement: EPG5 is on the minus strand). VCF-style: chr18-45908073-T-A. GRCh37 (hg19) VCF-style: chr18-43488038-T-A.
Other names: c.4214A>T, p.Asn1405Ile (NM_001410858.1, NM_001410859.1); c.4214A>T (NM_020964.2); short protein forms N1405I.
Identifiers: ClinVar variation 1966246 (VCV001966246.6), dbSNP rs374012879, ClinGen allele CA402339084.